The following is an entry in ClinVar:

ClinVar aggregate classification (germline): Uncertain significance (1 of 4 stars; one submission).

Conditions:
TTC21B-related disorder. Also called: TTC21B-related condition; TTC21B-related disorders.

gnomAD v4.1: 8 of 1,612,914 alleles (0.0005%); highest among the groups gnomAD compares: Non-Finnish European, 0.00068%; no homozygotes.

Submission:

PreventionGenetics, part of Exact Sciences
Classification: Uncertain significance for TTC21B-related condition. Last evaluated: 2025-02-25. Review status: criteria provided, single submitter. Criteria: ACMG Guidelines, 2015. Collection method: clinical testing. Allele origin: germline.
Comment: The TTC21B c.960C>A variant is predicted to result in the amino acid substitution p.Asn320Lys. To our knowledge, this variant has not been reported in the literature or in a large population database (gnomAD), indicating this variant is rare. At this time, the clinical significance of this variant is uncertain due to the absence of conclusive functional and genetic evidence.

NM_024753.5(TTC21B):c.960C>A (p.Asn320Lys)

Gene: TTC21B (tetratricopeptide repeat domain 21B; minus strand). Cytogenetic location: 2q24.3.
Variant type: single nucleotide variant.
Coding change: c.960C>A on transcript NM_024753.5 (MANE Select); coding-DNA position 960, C replaced by A.
Protein change: p.Asn320Lys; replaces asparagine 320 with lysine.
Molecular consequence: missense variant.
Genome position (GRCh38, 1-based): chr2:165,930,299, G>T on the plus strand (C>A on the coding strand, the complement: TTC21B is on the minus strand). VCF-style: chr2-165930299-G-T. GRCh37 (hg19) VCF-style: chr2-166786809-G-T.
Other names: short protein forms N320K.
Identifiers: ClinVar variation 4977250 (VCV004977250.1).
Genomic context (GRCh38, chr2:165,930,299, plus strand): 5'-AACTCTTCCTTGTAAAATCATTTGGTATCCAAGTTCTGTAGCAAATTCTGATTGCTGAGG[G>T]TTTAAACTAAAAGCTCTCTCAAGTAACGTTTGAATTTTTTGAAGAATAAGTTGACTACGT-3'
Protein context (NP_079029.3, residues 310-330): QTLLERAFSL[Asn320Lys]PQQSEFATEL